The following is an entry in ClinVar:

NM_013382.7(POMT2):c.1158dup (p.Ile387fs)

Gene: POMT2 (protein O-mannosyltransferase 2; minus strand). Cytogenetic location: 14q24.3.
Variant type: Duplication.
Coding change: c.1158dup on transcript NM_013382.7 (MANE Select); coding-DNA position 1158, one base duplicated (T; older notation c.1158dupT).
Protein change: p.Ile387fs; shifts the reading frame from isoleucine 387.
Molecular consequence: frameshift variant.
Genome position (GRCh38, 1-based): chr14:77,291,339, A duplicated on the plus strand (T on the coding strand, the reverse complement: POMT2 is on the minus strand); the first of 2 consecutive A bases (chr14:77,291,339-77,291,340); duplicating either gives the same sequence. VCF-style (leftmost placement, unchanged base first): chr14-77291338-T-TA. GRCh37 (hg19) VCF-style: chr14-77757681-T-TA.
Other names: short protein forms I387fs.
Identifiers: ClinVar variation 2925744 (VCV002925744.3), dbSNP rs2503227032, ClinGen allele CA2740097148.

ClinVar aggregate classification (germline): Pathogenic (1 of 4 stars; one submission).

Conditions:
Muscular dystrophy-dystroglycanopathy (congenital with impaired intellectual development), type B, 2. Also called: MUSCULAR DYSTROPHY, CONGENITAL, POMT2-RELATED; Muscular dystrophy-dystroglycanopathy (congenital with intellectual disability), type B2. Identifiers: MedGen C3150416, MONDO:0013160, OMIM 613156.
Muscular dystrophy-dystroglycanopathy (congenital with brain and eye anomalies), type A2. Also called: MUSCULAR DYSTROPHY-DYSTROGLYCANOPATHY (CONGENITAL WITH BRAIN AND EYE ANOMALIES), TYPE A, 2; WALKER-WARBURG SYNDROME OR MUSCLE-EYE-BRAIN DISEASE, POMT2-RELATED. Identifiers: Orphanet 588, Orphanet 899, MedGen C3150411, MONDO:0013154, OMIM 613150.
Autosomal recessive limb-girdle muscular dystrophy type 2N. Also called: MUSCULAR DYSTROPHY-DYSTROGLYCANOPATHY, LIMB-GIRDLE, POMT2-RELATED; Muscular dystrophy-dystroglycanopathy (limb-girdle), type C, 2. Identifiers: Orphanet 206559, MedGen C3150418, MONDO:0013162, OMIM 613158.

Submission:

Labcorp Genetics (formerly Invitae), Labcorp
Classification: Pathogenic for Muscular dystrophy-dystroglycanopathy (congenital with impaired intellectual development), type B, 2; Muscular dystrophy-dystroglycanopathy (congenital with brain and eye anomalies), type A2; Autosomal recessive limb-girdle muscular dystrophy type 2N. Last evaluated: 2024-04-10. Review status: criteria provided, single submitter. Criteria: Invitae Variant Classification Sherloc (09022015). Collection method: clinical testing. Allele origin: germline.
Comment: This sequence change creates a premature translational stop signal (p.Ile387Tyrfs*5) in the POMT2 gene. It is expected to result in an absent or disrupted protein product. Loss-of-function variants in POMT2 are known to be pathogenic (PMID: 15894594). This variant is not present in population databases (gnomAD no frequency). This variant has not been reported in the literature in individuals affected with POMT2-related conditions. For these reasons, this variant has been classified as Pathogenic.

Literature cited by the submitters: PubMed 15894594.